The following is an entry in ClinVar:

ClinVar aggregate classification (germline): Benign/Likely benign. Review status: criteria provided, multiple submitters, no conflicts (2 of 4 stars). 10 submissions from 10 submitters: Benign (8); Likely benign (2). Last evaluated 2026-02-01.

Conditions:
Autosomal recessive nonsyndromic hearing loss 29. Identifiers: Orphanet 90636, MedGen C3279660, MONDO:0013537, OMIM 614035.

Allele frequency attached by ClinVar (database versions not stated): gnomAD exomes 0.02286 and 0.02448; ExAC 0.04029; gnomAD 0.04384 and 0.04508; ESP Exome Variant Server 0.04395; 1000 Genomes Project 0.04712; TOPMed 0.04746; 1000 Genomes Project 30x 0.04809.

Submissions (10):

Labcorp Genetics (formerly Invitae), Labcorp
Classification: Benign. Last evaluated: 2026-02-01. Review status: criteria provided, single submitter. Criteria: Invitae Variant Classification Sherloc (09022015). Collection method: clinical testing. Allele origin: germline.

ARUP Laboratories, Molecular Genetics and Genomics, ARUP Laboratories
Classification: Benign for Autosomal recessive nonsyndromic hearing loss 29. Last evaluated: 2023-11-01. Review status: criteria provided, single submitter. Criteria: ARUP Molecular Germline Variant Investigation Process 2024. Collection method: clinical testing. Allele origin: germline.

Mayo Clinic Laboratories, Mayo Clinic
Classification: Benign. Last evaluated: 2021-08-25. Review status: criteria provided, single submitter. Criteria: ACMG Guidelines, 2015. Collection method: clinical testing. Allele origin: germline. Observed: 7 variant alleles.
Comment: BA1, BS2

Athena Diagnostics
Classification: Benign. Last evaluated: 2018-09-12. Review status: criteria provided, single submitter. Criteria: Athena Diagnostics Criteria. Collection method: clinical testing. Allele origin: germline.

Illumina Laboratory Services, Illumina
Classification: Likely benign for Autosomal recessive nonsyndromic hearing loss 29. Last evaluated: 2018-01-12. Review status: criteria provided, single submitter. Criteria: ICSL Variant Classification Criteria 13 December 2019. Collection method: clinical testing. Allele origin: germline.
Comment: This variant was observed in the ICSL laboratory as part of a predisposition screen in an ostensibly healthy population. It had not been previously curated by ICSL or reported in the Human Gene Mutation Database (HGMD: prior to June 1st, 2018), and was therefore a candidate for classification through an automated scoring system. Utilizing variant allele frequency, disease prevalence and penetrance estimates, and inheritance mode, an automated score was calculated to assess if this variant is too frequent to cause the disease. Based on the score and internal cut-off values, a variant classified as likely benign is not then subjected to further curation. The score for this variant resulted in a classification of likely benign for this disease.

GeneDx
Classification: Benign. Last evaluated: 2017-12-07. Review status: criteria provided, single submitter. Criteria: GeneDx Variant Classification (06012015). Collection method: clinical testing. Allele origin: germline. Affected: yes.
Comment: This variant is considered likely benign or benign based on one or more of the following criteria: it is a conservative change, it occurs at a poorly conserved position in the protein, it is predicted to be benign by multiple in silico algorithms, and/or has population frequency not consistent with disease.

Eurofins Ntd Llc (ga)
Classification: Benign. Last evaluated: 2017-03-02. Review status: criteria provided, single submitter. Criteria: EGL Classification Definitions 2015. Collection method: clinical testing. Allele origin: germline. Observed: 1 variant allele, 1 heterozygote.

Laboratory for Molecular Medicine, Mass General Brigham Personalized Medicine
Classification: Benign. Last evaluated: 2012-05-07. Review status: criteria provided, single submitter. Criteria: LMM Criteria. Collection method: clinical testing. Allele origin: germline. Observed: 111 variant alleles.
Comment: Thr4Met in Exon 03 of CLDN14: This variant is not expected to have clinical sign ificance because it has been identified in 9.1% (328/3592) of African American c hromosomes from a broad population by the NHLBI Exome Sequencing Project (dbSNP rs113831133).

Breakthrough Genomics
Classification: Likely benign. Review status: criteria provided, single submitter. Criteria: ACMG Guidelines, 2015. Collection method: not provided. Allele origin: germline. Inheritance: Autosomal recessive inheritance. Affected: yes.

PreventionGenetics, part of Exact Sciences
Classification: Benign. Review status: criteria provided, single submitter. Criteria: ACMG Guidelines, 2015. Collection method: clinical testing. Allele origin: germline.

NM_001146079.2(CLDN14):c.11C>T (p.Thr4Met)

Genes: CLDN14-AS1 (CLDN14 antisense RNA 1; plus strand), CLDN14 (claudin 14; minus strand). Cytogenetic location: 21q22.13.
Variant type: single nucleotide variant.
Coding change: c.11C>T on transcript NM_001146079.2 (MANE Select); coding-DNA position 11, C replaced by T.
Protein change: p.Thr4Met; replaces threonine 4 with methionine.
Molecular consequence: missense variant.
Genome position (GRCh38, 1-based): chr21:36,461,685, G>A on the plus strand (C>T on the coding strand, the complement: CLDN14 is on the minus strand). VCF-style: chr21-36461685-G-A. GRCh37 (hg19) VCF-style: chr21-37833983-G-A.
Other names: c.11C>T, p.Thr4Met (NM_001146077.2, NM_001146078.3, NM_012130.4 and 1 more transcripts); short protein forms T4M.
Identifiers: ClinVar variation 44083 (VCV000044083.33), dbSNP rs113831133, ClinGen allele CA133522.